The following is an entry in ClinVar:

NM_004655.4(AXIN2):c.1945G>T (p.Ala649Ser)

Gene: AXIN2 (axin 2; minus strand). Cytogenetic location: 17q24.1.
Variant type: single nucleotide variant.
Coding change: c.1945G>T on transcript NM_004655.4 (MANE Select); coding-DNA position 1945, G replaced by T.
Protein change: p.Ala649Ser; replaces alanine 649 with serine.
Molecular consequence: missense variant.
Genome position (GRCh38, 1-based): chr17:65,536,516, C>A on the plus strand (G>T on the coding strand, the complement: AXIN2 is on the minus strand). VCF-style: chr17-65536516-C-A. GRCh37 (hg19) VCF-style: chr17-63532634-C-A.
Other names: c.1750G>T, p.Ala584Ser (NM_001363813.1); short protein forms A584S, A649S.
Identifiers: ClinVar variation 2598096 (VCV002598096.5), dbSNP rs2509403353, ClinGen allele CA400676282.

ClinVar aggregate classification (germline): Uncertain significance. Review status: criteria provided, multiple submitters, no conflicts (2 of 4 stars). 2 submissions from 2 submitters: Uncertain significance (2). Last evaluated 2023-07-26.

Conditions:
Hereditary cancer-predisposing syndrome. Also called: Tumor predisposition; Hereditary Cancer Syndrome; Hereditary neoplastic syndrome; Neoplastic Syndromes, Hereditary. Identifiers: Orphanet 140162, MedGen C0027672, MeSH D009386, MONDO:0015356.
Oligodontia-cancer predisposition syndrome. Also called: TOOTH AGENESIS-COLORECTAL CANCER SYNDROME. Identifiers: Orphanet 300576, MedGen C1837750, MONDO:0012075, OMIM 608615. Disease mechanism: loss of function.

Submissions (2):

Ambry Genetics
Classification: Uncertain significance for Hereditary cancer-predisposing syndrome. Last evaluated: 2023-07-26. Review status: criteria provided, single submitter. Criteria: Ambry Variant Classification Scheme 2023. Collection method: clinical testing. Allele origin: germline.
Comment: The p.A649S variant (also known as c.1945G>T), located in coding exon 7 of the AXIN2 gene, results from a G to T substitution at nucleotide position 1945. The alanine at codon 649 is replaced by serine, an amino acid with similar properties. This amino acid position is conserved. In addition, this alteration is predicted to be tolerated by in silico analysis. Since supporting evidence is limited at this time, the clinical significance of this alteration remains unclear.

Labcorp Genetics (formerly Invitae), Labcorp
Classification: Uncertain significance for Oligodontia-cancer predisposition syndrome. Last evaluated: 2023-06-25. Review status: criteria provided, single submitter. Criteria: Invitae Variant Classification Sherloc (09022015). Collection method: clinical testing. Allele origin: germline.
Comment: In summary, the available evidence is currently insufficient to determine the role of this variant in disease. Therefore, it has been classified as a Variant of Uncertain Significance. Advanced modeling of protein sequence and biophysical properties (such as structural, functional, and spatial information, amino acid conservation, physicochemical variation, residue mobility, and thermodynamic stability) performed at Invitae indicates that this missense variant is not expected to disrupt AXIN2 protein function. This variant has not been reported in the literature in individuals affected with AXIN2-related conditions. This variant is not present in population databases (gnomAD no frequency). This sequence change replaces alanine, which is neutral and non-polar, with serine, which is neutral and polar, at codon 649 of the AXIN2 protein (p.Ala649Ser).